The following is an entry in ClinVar:

NM_014319.5(LEMD3):c.349A>G (p.Ser117Gly)

Genes: LEMD3 (LEM domain containing 3; plus strand), LOC130008224 (ATAC-STARR-seq lymphoblastoid silent region 4630; plus strand). Cytogenetic location: 12q14.3.
Variant type: single nucleotide variant.
Coding change: c.349A>G on transcript NM_014319.5 (MANE Select); coding-DNA position 349, A replaced by G.
Protein change: p.Ser117Gly; replaces serine 117 with glycine.
Molecular consequence: missense variant.
Genome position (GRCh38, 1-based): chr12:65,169,945, A>G. VCF-style: chr12-65169945-A-G. GRCh37 (hg19) VCF-style: chr12-65563725-A-G.
Other names: c.349A>G, p.Ser117Gly (NM_001167614.2); short protein forms S117G.
Identifiers: ClinVar variation 310221 (VCV000310221.11), dbSNP rs886049774, ClinGen allele CA10638382.

ClinVar aggregate classification (germline): Uncertain significance. Review status: criteria provided, multiple submitters, no conflicts (2 of 4 stars). 3 submissions from 3 submitters: Uncertain significance (3). Last evaluated 2025-12-29.

Conditions:
Inborn genetic diseases. Identifiers: MedGen C0950123, MeSH D030342.
Dermatofibrosis lenticularis disseminata (BOS). Also called: OSTEOPATHIA CONDENSANS DISSEMINATA; DERMATOFIBROSIS LENTICULARIS DISSEMINATA WITH OSTEOPOIKILOSIS; DERMATOOSTEOPOIKILOSIS. Identifiers: Orphanet 1306, MedGen C0265514, MONDO:0008157, OMIM 166700.

Allele frequency attached by ClinVar (database versions not stated): gnomAD exomes 0.00001.
gnomAD v4.1: 3 of 1,452,940 alleles (0.00021%); highest among the groups gnomAD compares: Non-Finnish European, 0.00027%; no homozygotes.

Submissions (3):

Ambry Genetics
Classification: Uncertain significance for Inborn genetic diseases. Last evaluated: 2025-12-29. Review status: criteria provided, single submitter. Criteria: Ambry Variant Classification Scheme 2023. Collection method: clinical testing. Allele origin: germline.

Labcorp Genetics (formerly Invitae), Labcorp
Classification: Uncertain significance. Last evaluated: 2024-10-16. Review status: criteria provided, single submitter. Criteria: Invitae Variant Classification Sherloc (09022015). Collection method: clinical testing. Allele origin: germline.
Comment: This sequence change replaces serine, which is neutral and polar, with glycine, which is neutral and non-polar, at codon 117 of the LEMD3 protein (p.Ser117Gly). This variant is not present in population databases (gnomAD no frequency). This variant has not been reported in the literature in individuals affected with LEMD3-related conditions. ClinVar contains an entry for this variant (Variation ID: 310221). An algorithm developed to predict the effect of missense changes on protein structure and function (PolyPhen-2) suggests that this variant is likely to be tolerated. In summary, the available evidence is currently insufficient to determine the role of this variant in disease. Therefore, it has been classified as a Variant of Uncertain Significance.

Illumina Laboratory Services, Illumina
Classification: Uncertain significance for Dermatofibrosis lenticularis disseminata. Last evaluated: 2018-01-13. Review status: criteria provided, single submitter. Criteria: ICSL Variant Classification Criteria 13 December 2019. Collection method: clinical testing. Allele origin: germline.